The following is an entry in ClinVar:

ClinVar aggregate classification (germline): Uncertain significance (1 of 4 stars; one submission).

Conditions:
Charcot-Marie-Tooth disease axonal type 2O. Also called: CHARCOT-MARIE-TOOTH NEUROPATHY, AXONAL, TYPE 2O; CHARCOT-MARIE-TOOTH DISEASE, AXONAL, AUTOSOMAL DOMINANT, TYPE 2O; Charcot-Marie-Tooth Neuropathy Type 2O; Charcot-Marie-Tooth disease, axonal, type 20. Identifiers: Orphanet 284232, MedGen C3280220, MONDO:0013644, OMIM 614228.

Submission:

Labcorp Genetics (formerly Invitae), Labcorp
Classification: Uncertain significance for Charcot-Marie-Tooth disease axonal type 2O. Last evaluated: 2025-03-16. Review status: criteria provided, single submitter. Criteria: Invitae Variant Classification Sherloc (09022015). Collection method: clinical testing. Allele origin: germline.
Comment: This sequence change falls in intron 34 of the DYNC1H1 gene. It does not directly change the encoded amino acid sequence of the DYNC1H1 protein. It affects a nucleotide within the consensus splice site. This variant is not present in population databases (gnomAD no frequency). This variant has not been reported in the literature in individuals affected with DYNC1H1-related conditions. Variants that disrupt the consensus splice site are a relatively common cause of aberrant splicing (PMID: 17576681, 9536098). Algorithms developed to predict the effect of sequence changes on RNA splicing suggest that this variant may create or strengthen a splice site. In summary, the available evidence is currently insufficient to determine the role of this variant in disease. Therefore, it has been classified as a Variant of Uncertain Significance.

Literature cited by the submitters: PubMed 17576681; PubMed 9536098.

NM_001376.5(DYNC1H1):c.7014+6T>C

Gene: DYNC1H1 (dynein cytoplasmic 1 heavy chain 1; plus strand). Cytogenetic location: 14q32.31.
Variant type: single nucleotide variant.
Coding change: c.7014+6T>C on transcript NM_001376.5 (MANE Select); 6 bases into the intron after coding-DNA position 7014, T replaced by C.
Molecular consequence: intron variant.
Genome position (GRCh38, 1-based): chr14:102,012,476, T>C. VCF-style: chr14-102012476-T-C. GRCh37 (hg19) VCF-style: chr14-102478813-T-C.
Identifiers: ClinVar variation 4715220 (VCV004715220.1).
Genomic context (GRCh38, chr14:102,012,476, plus strand): 5'-TGACAATAAGCTCCTAACTTTGCCCAATGGAGAGCGCCTCAGTCTTCCACCCAATGTAAG[T>C]AGCCTTTTGTATGTCGTCAACTGAATAATTCCTTTTGGCCAACTAAACTTCGTGTGCTAG-3'